The following is an entry in ClinVar:

ClinVar aggregate classification (germline): Pathogenic (1 of 4 stars; one submission).

Conditions:
Peroxisome biogenesis disorder 7A (Zellweger). Also called: Peroxisome biogenesis disorder 7A. Identifiers: Orphanet 912, MedGen C3888385, MONDO:0013938, OMIM 614872.
Peroxisome biogenesis disorder 7B (PBD7B). Identifiers: Orphanet 44, MedGen C3553951, MONDO:0013939, OMIM 614873.

Submission:

Labcorp Genetics (formerly Invitae), Labcorp
Classification: Pathogenic for Peroxisome biogenesis disorder 7A (Zellweger); Peroxisome biogenesis disorder 7B. Last evaluated: 2025-04-16. Review status: criteria provided, single submitter. Criteria: Invitae Variant Classification Sherloc (09022015). Collection method: clinical testing. Allele origin: germline.
Comment: This sequence change creates a premature translational stop signal (p.Arg61Profs*21) in the PEX26 gene. It is expected to result in an absent or disrupted protein product. Loss-of-function variants in PEX26 are known to be pathogenic (PMID: 12851857, 21031596). This variant is present in population databases (rs745673881, gnomAD 0.003%). This variant has not been reported in the literature in individuals affected with PEX26-related conditions. For these reasons, this variant has been classified as Pathogenic.

Literature cited by the submitters: PubMed 12851857; PubMed 21031596.

NM_001127649.3(PEX26):c.178_179delinsA (p.Ala61fs)

Gene: PEX26 (peroxisomal biogenesis factor 26; plus strand). Cytogenetic location: 22q11.21.
Variant type: Indel.
Coding change: c.178_179delinsA on transcript NM_001127649.3 (MANE Select); coding-DNA positions 178 to 179, CG replaced by A.
Protein change: p.Ala61fs; shifts the reading frame from alanine 61.
Molecular consequence: frameshift variant.
Genome position (GRCh38, 1-based): chr22:18,078,554-18,078,555, CG replaced by A. VCF-style: chr22-18078554-CG-A. GRCh37 (hg19) VCF-style: chr22-18561320-CG-A.
Other names: c.178_179delinsA, p.Ala61fs (NM_001199319.2, NM_017929.6); short protein forms A61fs.
Identifiers: ClinVar variation 970602 (VCV000970602.5), dbSNP rs1926403854, ClinGen allele CA1139666952.